The following is an entry in ClinVar:

ClinVar aggregate classification (germline): Likely benign. Review status: criteria provided, multiple submitters, no conflicts (2 of 4 stars). 2 submissions from 2 submitters: Likely benign (2). Last evaluated 2026-01-28.

Conditions:
Neuroblastoma, susceptibility to, 3. Also called: ALK-Related Neuroblastic Tumor Susceptibility. Identifiers: Orphanet 635, MedGen C2751681, MONDO:0013083, OMIM 613014.

Allele frequency attached by ClinVar (database versions not stated): gnomAD 0.00001; gnomAD exomes 0.00002 and 0.00003; TOPMed 0.00001; ExAC 0.00002.
gnomAD v4.1: 40 of 1,613,852 alleles (0.0025%); highest among the groups gnomAD compares: Non-Finnish European, 0.0027%; no homozygotes.

Submissions (2):

Labcorp Genetics (formerly Invitae), Labcorp
Classification: Likely benign for Neuroblastoma, susceptibility to, 3. Last evaluated: 2026-01-28. Review status: criteria provided, single submitter. Criteria: Invitae Variant Classification Sherloc (09022015). Collection method: clinical testing. Allele origin: germline.

GeneDx
Classification: Likely benign. Last evaluated: 2016-09-26. Review status: criteria provided, single submitter. Criteria: GeneDx Variant Classification (06012015). Collection method: clinical testing. Allele origin: germline. Affected: yes.
Comment: This variant is considered likely benign or benign based on one or more of the following criteria: it is a conservative change, it occurs at a poorly conserved position in the protein, it is predicted to be benign by multiple in silico algorithms, and/or has population frequency not consistent with disease.

NM_004304.5(ALK):c.3359+7G>A

Gene: ALK (ALK receptor tyrosine kinase; minus strand). Cytogenetic location: 2p23.2.
Variant type: single nucleotide variant.
Coding change: c.3359+7G>A on transcript NM_004304.5 (MANE Select); 7 bases into the intron after coding-DNA position 3359, G replaced by A.
Molecular consequence: intron variant.
Genome position (GRCh38, 1-based): chr2:29,223,335, C>T on the plus strand (G>A on the coding strand, the complement: ALK is on the minus strand). VCF-style: chr2-29223335-C-T. GRCh37 (hg19) VCF-style: chr2-29446201-C-T.
Other names: c.155+7G>A (NM_001353765.2).
Identifiers: ClinVar variation 389610 (VCV000389610.11), dbSNP rs778841767, ClinGen allele CA1593999.
Genomic context (GRCh38, chr2:29,223,335, plus strand): 5'-GTGCTGTGATAACATTCAGCCCCTACACTGCACCCCTCTCCTCCCAGGACGGCAGCAGGG[C>T]GCTCACCGAATGAGGGTGATGTTTTTCCGCGGCACCTCCTTCAGGTCACTGATGGAGGAG-3'